The following is an entry in ClinVar:

ClinVar aggregate classification (germline): Likely benign. Review status: criteria provided, multiple submitters, no conflicts (2 of 4 stars). 5 submissions from 5 submitters: Likely benign (4). 1 of the submissions does not count toward it. Last evaluated 2026-01-04.

Conditions:
POLR1A-related disorder. Also called: POLR1A-related condition.

Allele frequency attached by ClinVar (database versions not stated): 1000 Genomes Project 30x 0.00078; 1000 Genomes Project 0.00080; gnomAD exomes 0.00090 and 0.00120; ESP Exome Variant Server 0.00093; gnomAD 0.00098 and 0.00113; TOPMed 0.00118; ExAC 0.00119.
gnomAD v4.1: 1,525 of 1,562,304 alleles (0.098%); highest among the groups gnomAD compares: Middle Eastern, 2.6%; 12 homozygotes.

Submissions (5):

Labcorp Genetics (formerly Invitae), Labcorp
Classification: Likely benign. Last evaluated: 2026-01-04. Review status: criteria provided, single submitter. Criteria: Invitae Variant Classification Sherloc (09022015). Collection method: clinical testing. Allele origin: germline.

CeGaT Center for Human Genetics Tuebingen
Classification: Likely benign. Last evaluated: 2025-06-01. Review status: criteria provided, single submitter. Criteria: CeGaT Center For Human Genetics Tuebingen Variant Classification Criteria Version 2. Collection method: clinical testing. Allele origin: germline. Affected: yes. Observed: 1 variant allele.
Comment: POLR1A: BP4, BP7

Blueprint Genetics
Classification: Likely benign. Last evaluated: 2024-11-26. Review status: criteria provided, single submitter. Criteria: ACMG Guidelines, 2015. Collection method: clinical testing. Allele origin: germline.

Breakthrough Genomics
Classification: Likely benign. Review status: criteria provided, single submitter. Criteria: ACMG Guidelines, 2015. Collection method: not provided. Allele origin: germline. Inheritance: Autosomal dominant inheritance. Affected: yes.

PreventionGenetics, part of Exact Sciences
Classification: Likely benign for POLR1A-related condition. Last evaluated: 2019-09-24. Review status: no assertion criteria provided. Collection method: clinical testing. Allele origin: germline. Not counted in ClinVar's aggregate classification.
Comment: This variant is classified as likely benign based on ACMG/AMP sequence variant interpretation guidelines (Richards et al. 2015 PMID: 25741868, with internal and published modifications).

NM_015425.6(POLR1A):c.1089A>G (p.Glu363=)

Gene: POLR1A (RNA polymerase I subunit A; minus strand). Cytogenetic location: 2p11.2.
Variant type: single nucleotide variant.
Coding change: c.1089A>G on transcript NM_015425.6 (MANE Select); coding-DNA position 1089, A replaced by G.
Protein change: p.Glu363=; no amino-acid change (glutamic acid 363 retained).
Molecular consequence: synonymous variant.
Genome position (GRCh38, 1-based): chr2:86,078,282, T>C on the plus strand (A>G on the coding strand, the complement: POLR1A is on the minus strand). VCF-style: chr2-86078282-T-C. GRCh37 (hg19) VCF-style: chr2-86305405-T-C.
Identifiers: ClinVar variation 710242 (VCV000710242.25), dbSNP rs201760128, ClinGen allele CA1746440.
Genomic context (GRCh38, chr2:86,078,282, plus strand): 5'-GAGGGACTGGCCTGGAAGTGTACTCAAAAAGGATCGGTCAATAGCAATCAAAGAGTCTTT[T>C]TCCTGGAAGATGAAACCAAGAAAACAGGGATGATGGAAAAAAGCTCCAAAAGGCCTGGCT-3'
Protein context (NP_056240.2, residues 353-373): EEVATPTTDE[Glu363=]KDSLIAIDRS